The following is an entry in ClinVar:

NM_198407.2(GHSR):c.698del (p.Ser233fs)

Gene: GHSR (growth hormone secretagogue receptor; minus strand). Cytogenetic location: 3q26.31.
Variant type: Deletion.
Coding change: c.698del on transcript NM_198407.2 (MANE Select); coding-DNA position 698, one base deleted (G; older notation c.698delG).
Protein change: p.Ser233fs; shifts the reading frame from serine 233.
Molecular consequence: frameshift variant.
Genome position (GRCh38, 1-based): chr3:172,447,716, C deleted on the plus strand (G on the coding strand, the reverse complement: GHSR is on the minus strand). VCF-style (leftmost placement, unchanged base first): chr3-172447715-AC-A. GRCh37 (hg19) VCF-style: chr3-172165505-AC-A.
Other names: c.698del, p.Ser233fs (NM_004122.2); short protein forms S233fs.
Identifiers: ClinVar variation 4532615 (VCV004532615.1).
Genomic context (GRCh38, chr3:172,447,715, plus strand): 5'-GAGCGAGGCACCCACGACAGCATCGCCGCGCCTCCTCCGCCACAGCTTCCTGCCGATGAG[AC>A]TGTAGAGGACCGTGAGACAGAAGACAGGAAGGAAGAAGAAGATGCTGGACACCCACACCA-3'

ClinVar aggregate classification (germline): Uncertain significance (1 of 4 stars; one submission).

Submission:

GeneDx
Classification: Uncertain significance. Last evaluated: 2025-06-01. Review status: criteria provided, single submitter. Criteria: GeneDx Variant Classification Process June 2021. Collection method: clinical testing. Allele origin: germline. Affected: yes.
Comment: Not observed at significant frequency in large population cohorts (gnomAD); Frameshift variant predicted to result in abnormal protein length as the last 134 amino acid(s) are replaced with 29 different amino acid(s); Has not been previously published as pathogenic or benign to our knowledge